The following is an entry in ClinVar:

NM_004380.3(CREBBP):c.5943G>T (p.Met1981Ile)

Gene: CREBBP (CREB binding protein; minus strand). Cytogenetic location: 16p13.3.
Variant type: single nucleotide variant.
Coding change: c.5943G>T on transcript NM_004380.3 (MANE Select); coding-DNA position 5943, G replaced by T.
Protein change: p.Met1981Ile; replaces methionine 1981 with isoleucine.
Molecular consequence: missense variant.
Genome position (GRCh38, 1-based): chr16:3,729,104, C>A on the plus strand (G>T on the coding strand, the complement: CREBBP is on the minus strand). VCF-style: chr16-3729104-C-A. GRCh37 (hg19) VCF-style: chr16-3779105-C-A.
Other names: c.5829G>T, p.Met1943Ile (NM_001079846.1); short protein forms M1943I, M1981I.
Identifiers: ClinVar variation 1750633 (VCV001750633.2), dbSNP rs1290520124, ClinGen allele CA394554883.

ClinVar aggregate classification (germline): Uncertain significance (1 of 4 stars; one submission).

Conditions:
Inborn genetic diseases. Identifiers: MedGen C0950123, MeSH D030342.

Allele frequency attached by ClinVar (database versions not stated): gnomAD exomes 0.00001.

Submission:

Ambry Genetics
Classification: Uncertain significance for Inborn genetic diseases. Last evaluated: 2019-06-14. Review status: criteria provided, single submitter. Criteria: Ambry Variant Classification Scheme 2023. Collection method: clinical testing. Allele origin: germline.
Comment: The p.M1981I variant (also known as c.5943G>T), located in coding exon 31 of the CREBBP gene, results from a G to T substitution at nucleotide position 5943. The methionine at codon 1981 is replaced by isoleucine, an amino acid with highly similar properties. This amino acid position is not well conserved in available vertebrate species, and isoleucine is the reference amino acid in other vertebrate species. In addition, this alteration is predicted to be tolerated by BayesDel in silico analysis. Since supporting evidence is limited at this time, the clinical significance of this alteration remains unclear.